The following is an entry in ClinVar:

NM_020433.5(JPH2):c.1213G>A (p.Ala405Thr)

Gene: JPH2 (junctophilin 2; minus strand). Cytogenetic location: 20q13.12.
Variant type: single nucleotide variant.
Coding change: c.1213G>A on transcript NM_020433.5 (MANE Select); coding-DNA position 1213, G replaced by A.
Protein change: p.Ala405Thr; replaces alanine 405 with threonine.
Molecular consequence: missense variant.
Genome position (GRCh38, 1-based): chr20:44,118,580, C>T on the plus strand (G>A on the coding strand, the complement: JPH2 is on the minus strand). VCF-style: chr20-44118580-C-T. GRCh37 (hg19) VCF-style: chr20-42747220-C-T.
Other names: short protein forms A405T.
Identifiers: ClinVar variation 454467 (VCV000454467.24), dbSNP rs557878787, ClinGen allele CA9868698.
Genomic context (GRCh38, chr20:44,118,580, plus strand): 5'-CCGGAGCCAGCTCCCTGGCCAAAGTGCGAGCAATGTTGGACTCCTGGTTGGCAGCCAGGG[C>T]GGCCTGTTCCGCTGCCTCAGCTTTGGCCTTGGCGTGGCTTGTCCTATGGAGACAATGTGG-3'
Protein context (NP_065166.2, residues 395-415): KAKAEAAEQA[Ala405Thr]LAANQESNIA

ClinVar aggregate classification (germline): Uncertain significance. Review status: criteria provided, multiple submitters, no conflicts (2 of 4 stars). 9 submissions from 9 submitters: Uncertain significance (6). 3 of the submissions do not count toward it. Last evaluated 2025-07-08.

Conditions:
JPH2-related disorder. Also called: JPH2-related condition.
Cardiovascular phenotype. Identifiers: MedGen CN230736.
Hypertrophic cardiomyopathy 17. Identifiers: MedGen C3151264, MONDO:0013474, OMIM 613873.
Hypertrophic cardiomyopathy. Also called: HYPERTROPHIC MYOCARDIOPATHY. Identifiers: Orphanet 217569, MedGen C0007194, MeSH D002312, MONDO:0005045, HP:0001639.

Allele frequency attached by ClinVar (database versions not stated): TOPMed 0.00001; ExAC 0.00007; 1000 Genomes Project 0.00020; 1000 Genomes Project 30x 0.00031.
gnomAD v4.1: 56 of 1,612,438 alleles (0.0035%); highest among the groups gnomAD compares: South Asian, 0.029%; 1 homozygote.

Submissions (9):

PreventionGenetics, part of Exact Sciences
Classification: Uncertain significance for JPH2-related condition. Last evaluated: 2025-07-08. Review status: criteria provided, single submitter. Criteria: ACMG Guidelines, 2015. Collection method: clinical testing. Allele origin: germline.
Comment: The JPH2 c.1213G>A variant is predicted to result in the amino acid substitution p.Ala405Thr. This variant has been reported in an individual with hypertrophic cardiomyopathy (Table S1, Seidelmann et al. 2017. PubMed ID: 28087566). This variant is reported in 0.033% of alleles in individuals of South Asian descent in gnomAD. At this time, the clinical significance of this variant is uncertain due to the absence of conclusive functional and genetic evidence.

Ambry Genetics
Classification: Uncertain significance for Cardiovascular phenotype. Last evaluated: 2025-05-30. Review status: criteria provided, single submitter. Criteria: Ambry Variant Classification Scheme 2023. Collection method: clinical testing. Allele origin: germline.
Comment: The p.A405T variant (also known as c.1213G>A), located in coding exon 3 of the JPH2 gene, results from a G to A substitution at nucleotide position 1213. The alanine at codon 405 is replaced by threonine, an amino acid with similar properties. This alteration has been reported in a subject with hypertrophic cardiomyopathy (Seidelmann SB et al. Circ Cardiovasc Genet. 2017; Feb;10(1)). This amino acid position is highly conserved in available vertebrate species. In addition, the in silico prediction for this alteration is inconclusive. Since supporting evidence is limited at this time, the clinical significance of this alteration remains unclear.

Labcorp Genetics (formerly Invitae), Labcorp
Classification: Uncertain significance for Hypertrophic cardiomyopathy. Last evaluated: 2025-03-05. Review status: criteria provided, single submitter. Criteria: Invitae Variant Classification Sherloc (09022015). Collection method: clinical testing. Allele origin: germline.
Comment: This sequence change replaces alanine, which is neutral and non-polar, with threonine, which is neutral and polar, at codon 405 of the JPH2 protein (p.Ala405Thr). This variant is present in population databases (rs557878787, gnomAD 0.03%), and has an allele count higher than expected for a pathogenic variant. This missense change has been observed in individual(s) with hypertrophic cardiomyopathy (PMID: 28087566). ClinVar contains an entry for this variant (Variation ID: 454467). An algorithm developed to predict the effect of missense changes on protein structure and function (PolyPhen-2) suggests that this variant is likely to be disruptive. In summary, the available evidence is currently insufficient to determine the role of this variant in disease. Therefore, it has been classified as a Variant of Uncertain Significance.

Stanford Center for Inherited Cardiovascular Disease, Stanford University
Classification: Uncertain significance. Last evaluated: 2017-11-01. Review status: criteria provided, single submitter. Criteria: ACMG Guidelines, 2015. Collection method: provider interpretation. Allele origin: germline.

Genome Diagnostics Laboratory, University Medical Center Utrecht
Classification: Uncertain significance for Hypertrophic cardiomyopathy 17. Last evaluated: 2017-05-31. Review status: criteria provided, single submitter. Criteria: ACGS Guidelines, 2013. Collection method: clinical testing. Allele origin: germline. Affected: yes. Study: VKGL Data-share Consensus.

Breakthrough Genomics
Classification: Uncertain significance. Review status: criteria provided, single submitter. Criteria: ACMG Guidelines, 2015. Collection method: not provided. Allele origin: germline. Inheritance: Autosomal dominant inheritance. Affected: yes.

Clinical Genetics DNA and cytogenetics Diagnostics Lab, Erasmus MC, Erasmus Medical Center
Classification: Uncertain significance. Review status: no assertion criteria provided. Collection method: clinical testing. Allele origin: germline. Affected: yes. Study: VKGL Data-share Consensus. Not counted in ClinVar's aggregate classification.

Clinical Genetics, Academic Medical Center
Classification: Uncertain significance. Review status: no assertion criteria provided. Collection method: clinical testing. Allele origin: germline. Affected: yes. Study: VKGL Data-share Consensus. Not counted in ClinVar's aggregate classification.

Diagnostic Laboratory, Department of Genetics, University Medical Center Groningen
Classification: Uncertain significance for Hypertrophic cardiomyopathy 17. Review status: no assertion criteria provided. Collection method: clinical testing. Allele origin: germline. Affected: yes. Study: VKGL Data-share Consensus. Not counted in ClinVar's aggregate classification.

Literature cited by the submitters: PubMed 23973696 (cited by Ambry Genetics); PubMed 28087566 (cited by Ambry Genetics and Labcorp Genetics (formerly Invitae), Labcorp); PubMed 35026164 (cited by Ambry Genetics).